The following is an entry in ClinVar:

NM_000257.4(MYH7):c.137T>A (p.Phe46Tyr)

Gene: MYH7 (myosin heavy chain 7; minus strand). Cytogenetic location: 14q11.2.
Variant type: single nucleotide variant.
Coding change: c.137T>A on transcript NM_000257.4 (MANE Select); coding-DNA position 137, T replaced by A.
Protein change: p.Phe46Tyr; replaces phenylalanine 46 with tyrosine.
Molecular consequence: missense variant.
Genome position (GRCh38, 1-based): chr14:23,433,596, A>T on the plus strand (T>A on the coding strand, the complement: MYH7 is on the minus strand). VCF-style: chr14-23433596-A-T. GRCh37 (hg19) VCF-style: chr14-23902805-A-T.
Other names: c.137T>A, p.Phe46Tyr (NM_001407004.1); short protein forms F46Y.
Identifiers: ClinVar variation 1988068 (VCV001988068.4), dbSNP rs397516104, ClinGen allele CA389053779.

ClinVar aggregate classification (germline): Uncertain significance (1 of 4 stars; one submission).

Conditions:
Hypertrophic cardiomyopathy. Also called: HYPERTROPHIC MYOCARDIOPATHY. Identifiers: Orphanet 217569, MedGen C0007194, MeSH D002312, MONDO:0005045, HP:0001639.

Allele frequency attached by ClinVar (database versions not stated): gnomAD exomes below 0.00001; TOPMed below 0.00001.
gnomAD v4.1: 2 of 1,614,192 alleles (0.00012%); highest among the groups gnomAD compares: Non-Finnish European, 0.000085%; no homozygotes.

Submission:

Labcorp Genetics (formerly Invitae), Labcorp
Classification: Uncertain significance for Hypertrophic cardiomyopathy. Last evaluated: 2023-06-19. Review status: criteria provided, single submitter. Criteria: Invitae Variant Classification Sherloc (09022015). Collection method: clinical testing. Allele origin: germline.
Comment: This sequence change replaces phenylalanine, which is neutral and non-polar, with tyrosine, which is neutral and polar, at codon 46 of the MYH7 protein (p.Phe46Tyr). This variant is not present in population databases (gnomAD no frequency). This variant has not been reported in the literature in individuals affected with MYH7-related conditions. ClinVar contains an entry for this variant (Variation ID: 1988068). Advanced modeling of protein sequence and biophysical properties (such as structural, functional, and spatial information, amino acid conservation, physicochemical variation, residue mobility, and thermodynamic stability) performed at Invitae indicates that this missense variant is not expected to disrupt MYH7 protein function. In summary, the available evidence is currently insufficient to determine the role of this variant in disease. Therefore, it has been classified as a Variant of Uncertain Significance.